The following is an entry in ClinVar:

ClinVar aggregate classification (germline): Uncertain significance (1 of 4 stars; one submission).

Conditions:
Intellectual disability, autosomal recessive 53 (NEDHSCA). Also called: GLYCOSYLPHOSPHATIDYLINOSITOL BIOSYNTHESIS DEFECT 13; Mental retardation, autosomal recessive 53; NEURODEVELOPMENTAL DISORDER WITH OR WITHOUT HYPOTONIA, SEIZURES, AND CEREBELLAR ATROPHY. Identifiers: Orphanet 488635, MedGen C4310794, MONDO:0014832, OMIM 616917.

Submission:

Labcorp Genetics (formerly Invitae), Labcorp
Classification: Uncertain significance for Intellectual disability, autosomal recessive 53. Last evaluated: 2020-10-09. Review status: criteria provided, single submitter. Criteria: Invitae Variant Classification Sherloc (09022015). Collection method: clinical testing. Allele origin: germline.
Comment: This variant results in a copy number gain of the genomic region encompassing exons 1-3 of the PIGG gene. The 5' end of this event is unknown as it extends beyond the assayed region for this gene and therefore may encompass additional genes. The 3' boundary is likely confined to intron 3 of the PIGG gene. As the precise location of this event is unknown, it may be in tandem or it may be located elsewhere in the genome. This variant has not been reported in the literature in individuals with PIGG-related disease. In summary, the available evidence is currently insufficient to determine the role of this variant in disease. Therefore, it has been classified as a Variant of Uncertain Significance.

NC_000004.11:g.(?_493125)_(499726_?)dup

Genes: PIGG (phosphatidylinositol glycan anchor biosynthesis class G (EMM blood group); plus strand), ZNF721 (zinc finger protein 721; minus strand). Cytogenetic location: 4p16.3.
Variant type: Duplication.
Identifiers: ClinVar variation 1040012 (VCV001040012.1).